The following is an entry in ClinVar:

NM_006946.4(SPTBN2):c.1370T>C (p.Leu457Pro)

Gene: SPTBN2 (spectrin beta, non-erythrocytic 2; minus strand). Cytogenetic location: 11q13.2.
Variant type: single nucleotide variant.
Coding change: c.1370T>C on transcript NM_006946.4 (MANE Select); coding-DNA position 1370, T replaced by C.
Protein change: p.Leu457Pro; replaces leucine 457 with proline.
Molecular consequence: missense variant.
Genome position (GRCh38, 1-based): chr11:66,707,799, A>G on the plus strand (T>C on the coding strand, the complement: SPTBN2 is on the minus strand). VCF-style: chr11-66707799-A-G. GRCh37 (hg19) VCF-style: chr11-66475270-A-G.
Other names: short protein forms L457P.
Identifiers: ClinVar variation 1687362 (VCV001687362.1), dbSNP rs1590954146, ClinGen allele CA381480945.

ClinVar aggregate classification (germline): Uncertain significance (1 of 4 stars; one submission).

Conditions:
Autosomal recessive spinocerebellar ataxia 14. Also called: CEREBELLAR ATAXIA, AUTOSOMAL RECESSIVE, SPECTRIN-ASSOCIATED, 1. Identifiers: Orphanet 352403, MedGen C4706415, MONDO:0014159, OMIM 615386.

Submission:

3billion
Classification: Uncertain significance for Autosomal recessive spinocerebellar ataxia 14. Last evaluated: 2022-05-22. Review status: criteria provided, single submitter. Criteria: ACMG Guidelines, 2015. Collection method: clinical testing. Allele origin: germline. Affected: yes. Observed: 1 homozygote.
Comment: The variant is not observed in the gnomAD v2.1.1 dataset. Missense changes are a common disease-causing mechanism. Therefore, this variant is classified as uncertain significanceaccording to the recommendation of ACMG/AMP guideline.